The following is an entry in ClinVar:

NM_000388.4(CASR):c.114T>C (p.Phe38=)

Gene: CASR (calcium sensing receptor; plus strand). Cytogenetic location: 3q21.1.
Variant type: single nucleotide variant.
Coding change: c.114T>C on transcript NM_000388.4 (MANE Select); coding-DNA position 114, T replaced by C.
Protein change: p.Phe38=; no amino-acid change (phenylalanine 38 retained).
Molecular consequence: synonymous variant.
Genome position (GRCh38, 1-based): chr3:122,254,303, T>C. VCF-style: chr3-122254303-T-C. GRCh37 (hg19) VCF-style: chr3-121973150-T-C.
Other names: p.Phe38=; c.114T>C, p.Phe38= (NM_001178065.2).
Identifiers: ClinVar variation 193090 (VCV000193090.22), dbSNP rs61733590, ClinGen allele CA238601.
Genomic context (GRCh38, chr3:122,254,303, plus strand): 5'-TGCCTACGGGCCAGACCAGCGAGCCCAAAAGAAGGGGGACATTATCCTTGGGGGGCTCTT[T>C]CCTATTCATTTTGGAGTAGCAGCTAAAGATCAAGATCTCAAATCAAGGCCGGAGTCTGTG-3'
Protein context (NP_000379.3, residues 28-48): KKGDIILGGL[Phe38=]PIHFGVAAKD

ClinVar aggregate classification (germline): Conflicting classifications of pathogenicity. Review status: criteria provided, conflicting classifications (1 of 4 stars). 6 submissions from 6 submitters: Uncertain significance (2); Benign (1); Likely benign (3). Last evaluated 2026-05-19.

Conditions:
Familial hypocalciuric hypercalcemia (FHH). Also called: Familial benign hypercalcemia. Identifiers: Orphanet 405, MedGen C1809471, MONDO:0018458.
Autosomal dominant hypocalcemia 1 (HYPOC1). Also called: HYPOCALCEMIA, FAMILIAL. Identifiers: MedGen C3715128, MONDO:0011013, OMIM 601198.
Nephrolithiasis/nephrocalcinosis. Identifiers: MedGen CN580796.

Allele frequency attached by ClinVar (database versions not stated): ExAC 0.00003; gnomAD exomes 0.00004 and 0.00009; TOPMed 0.00004; ESP Exome Variant Server 0.00008; gnomAD 0.00008 and 0.00009.
gnomAD v4.1: 139 of 1,614,048 alleles (0.0086%); highest among the groups gnomAD compares: Middle Eastern, 0.016%; no homozygotes.

Submissions (6):

Greenwood Genetic Center Diagnostic Laboratories, Greenwood Genetic Center
Classification: Uncertain significance. Last evaluated: 2026-05-19. Review status: criteria provided, single submitter. Criteria: ACMG Guidelines, 2015. Collection method: clinical testing. Allele origin: germline.
Comment: BP7

Labcorp Genetics (formerly Invitae), Labcorp
Classification: Likely benign for Familial hypocalciuric hypercalcemia; Autosomal dominant hypocalcemia 1. Last evaluated: 2025-09-21. Review status: criteria provided, single submitter. Criteria: Invitae Variant Classification Sherloc (09022015). Collection method: clinical testing. Allele origin: germline.

Mayo Clinic Laboratories, Mayo Clinic
Classification: Likely benign. Last evaluated: 2025-02-26. Review status: criteria provided, single submitter. Criteria: ACMG Guidelines, 2015. Collection method: clinical testing. Allele origin: germline. Observed: 1 variant allele.
Comment: BP4, BP7

Women's Health and Genetics/Laboratory Corporation of America, LabCorp
Classification: Benign. Last evaluated: 2024-12-06. Review status: criteria provided, single submitter. Criteria: LabCorp Variant Classification Summary - May 2015. Collection method: clinical testing. Allele origin: germline.

Ambry Genetics
Classification: Likely benign for Nephrolithiasis/nephrocalcinosis. Last evaluated: 2019-09-25. Review status: criteria provided, single submitter. Criteria: Ambry Variant Classification Scheme 2023. Collection method: clinical testing. Allele origin: germline.

Eurofins Ntd Llc (ga)
Classification: Uncertain significance. Last evaluated: 2014-11-10. Review status: criteria provided, single submitter. Criteria: EGL Classification Definitions 2015. Collection method: clinical testing. Allele origin: germline. Observed: 1 variant allele, 1 heterozygote.

Literature cited by the submitters: PubMed 17698911 (cited by Women's Health and Genetics/Laboratory Corporation of America, LabCorp).